The following is an entry in ClinVar:

ClinVar aggregate classification (germline): Benign/Likely benign. Review status: criteria provided, multiple submitters, no conflicts (2 of 4 stars). 3 submissions from 3 submitters: Benign (1); Likely benign (1). 1 of the submissions does not count toward it. Last evaluated 2026-01-14.

Conditions:
Glycogen storage disease IXa1. Also called: LIVER GLYCOGENOSIS, X-LINKED, TYPE I; GLYCOGEN STORAGE DISEASE VIII; GSD VIII; Glycogen storage disease 8. Identifiers: Orphanet 264580, MedGen C3694531, MONDO:0010598, OMIM 306000.
PHKA2-related disorder. Also called: PHKA2-related condition.

Allele frequency attached by ClinVar (database versions not stated): gnomAD exomes 0.00020 and 0.00053; ExAC 0.00058; 1000 Genomes Project 0.00185; 1000 Genomes Project 30x 0.00208; gnomAD 0.00228 and 0.00237; TOPMed 0.00255; ESP Exome Variant Server 0.00322.
gnomAD v4.1: 476 of 1,182,848 alleles (0.04%); highest among the groups gnomAD compares: African/African-American, 0.76%; 1 homozygote.

Submissions (3):

Labcorp Genetics (formerly Invitae), Labcorp
Classification: Benign for Glycogen storage disease IXa1. Last evaluated: 2026-01-14. Review status: criteria provided, single submitter. Criteria: Invitae Variant Classification Sherloc (09022015). Collection method: clinical testing. Allele origin: germline.

GeneDx
Classification: Likely benign. Last evaluated: 2018-03-01. Review status: criteria provided, single submitter. Criteria: GeneDx Variant Classification (06012015). Collection method: clinical testing. Allele origin: germline. Affected: yes.
Comment: This variant is considered likely benign or benign based on one or more of the following criteria: it is a conservative change, it occurs at a poorly conserved position in the protein, it is predicted to be benign by multiple in silico algorithms, and/or has population frequency not consistent with disease.

PreventionGenetics, part of Exact Sciences
Classification: Likely benign for PHKA2-related condition. Last evaluated: 2019-12-27. Review status: no assertion criteria provided. Collection method: clinical testing. Allele origin: germline. Not counted in ClinVar's aggregate classification.
Comment: This variant is classified as likely benign based on ACMG/AMP sequence variant interpretation guidelines (Richards et al. 2015 PMID: 25741868, with internal and published modifications).

NM_000292.3(PHKA2):c.472A>G (p.Thr158Ala)

Gene: PHKA2 (phosphorylase kinase regulatory subunit alpha 2; minus strand). Cytogenetic location: Xp22.13.
Variant type: single nucleotide variant.
Coding change: c.472A>G on transcript NM_000292.3 (MANE Select); coding-DNA position 472, A replaced by G.
Protein change: p.Thr158Ala; replaces threonine 158 with alanine.
Molecular consequence: missense variant.
Genome position (GRCh38, 1-based): chrX:18,948,809, T>C on the plus strand (A>G on the coding strand, the complement: PHKA2 is on the minus strand). VCF-style: chrX-18948809-T-C. GRCh37 (hg19) VCF-style: chrX-18966927-T-C.
Other names: short protein forms T158A.
Identifiers: ClinVar variation 516929 (VCV000516929.10), dbSNP rs142034171, ClinGen allele CA10362102.
Genomic context (GRCh38, chrX:18,948,809, plus strand): 5'-CTTTATATGCAGCTTCTATGTAAAAGACAAGATTCTGTATGAAGGCCACCTCATCGAGAG[T>C]GAAAATGATACGTAAGCCTAGCAAAGAAAAACAATGAGGTTATGAAGCCATGTTGCAGAG-3'
Protein context (NP_000283.1, residues 148-168): MTASGLRIIF[Thr158Ala]LDEVAFIQNL